The following is an entry in ClinVar:

ClinVar aggregate classification (germline): Uncertain significance (1 of 4 stars; one submission).

Allele frequency attached by ClinVar (database versions not stated): gnomAD exomes below 0.00001.
gnomAD v4.1: 2 of 1,613,868 alleles (0.00012%); highest among the groups gnomAD compares: Non-Finnish European, 0.00017%; no homozygotes.

Submission:

Labcorp Genetics (formerly Invitae), Labcorp
Classification: Uncertain significance. Last evaluated: 2023-10-05. Review status: criteria provided, single submitter. Criteria: Invitae Variant Classification Sherloc (09022015). Collection method: clinical testing. Allele origin: germline.
Comment: This sequence change replaces serine, which is neutral and polar, with cysteine, which is neutral and slightly polar, at codon 348 of the MYH3 protein (p.Ser348Cys). This variant is not present in population databases (gnomAD no frequency). This variant has not been reported in the literature in individuals affected with MYH3-related conditions. Advanced modeling of protein sequence and biophysical properties (such as structural, functional, and spatial information, amino acid conservation, physicochemical variation, residue mobility, and thermodynamic stability) performed at Invitae indicates that this missense variant is not expected to disrupt MYH3 protein function. In summary, the available evidence is currently insufficient to determine the role of this variant in disease. Therefore, it has been classified as a Variant of Uncertain Significance.

NM_002470.4(MYH3):c.1043C>G (p.Ser348Cys)

Gene: MYH3 (myosin heavy chain 3; minus strand). Cytogenetic location: 17p13.1.
Variant type: single nucleotide variant.
Coding change: c.1043C>G on transcript NM_002470.4 (MANE Select); coding-DNA position 1043, C replaced by G.
Protein change: p.Ser348Cys; replaces serine 348 with cysteine.
Molecular consequence: missense variant.
Genome position (GRCh38, 1-based): chr17:10,645,805, G>C on the plus strand (C>G on the coding strand, the complement: MYH3 is on the minus strand). VCF-style: chr17-10645805-G-C. GRCh37 (hg19) VCF-style: chr17-10549122-G-C.
Other names: short protein forms S348C.
Identifiers: ClinVar variation 2974799 (VCV002974799.3), dbSNP rs2508626134, ClinGen allele CA398176416.
Genomic context (GRCh38, chr17:10,645,805, plus strand): 5'-TTCTGCTTGAACTTCATGTTCCCGTAGTGCATCACGGCTCCCGTCAGCTTGTAGAGCCCA[G>C]ATTTCTCTTCTGGGGTGAAGCCCAGGATGTCAATGGCGCTCTGGCATGGAAAGGGCAGCA-3'
Protein context (NP_002461.2, residues 338-358): DILGFTPEEK[Ser348Cys]GLYKLTGAVM